The following is an entry in ClinVar:

NM_022072.5(NSUN3):c.82C>A (p.Gln28Lys)

Gene: NSUN3 (NOP2/Sun RNA methyltransferase 3; plus strand). Cytogenetic location: 3q11.2.
Variant type: single nucleotide variant.
Coding change: c.82C>A on transcript NM_022072.5 (MANE Select); coding-DNA position 82, C replaced by A.
Protein change: p.Gln28Lys; replaces glutamine 28 with lysine.
Molecular consequence: missense variant.
Genome position (GRCh38, 1-based): chr3:94,064,506, C>A. VCF-style: chr3-94064506-C-A. GRCh37 (hg19) VCF-style: chr3-93783350-C-A.
Other names: short protein forms Q28K.
Identifiers: ClinVar variation 4697585 (VCV004697585.1).

ClinVar aggregate classification (germline): Uncertain significance (1 of 4 stars; one submission).

gnomAD v4.1: 6 of 1,613,050 alleles (0.00037%); highest among the groups gnomAD compares: Non-Finnish European, 0.00051%; no homozygotes.

Submission:

Labcorp Genetics (formerly Invitae), Labcorp
Classification: Uncertain significance. Last evaluated: 2025-05-24. Review status: criteria provided, single submitter. Criteria: Invitae Variant Classification Sherloc (09022015). Collection method: clinical testing. Allele origin: germline.
Comment: This sequence change replaces glutamine, which is neutral and polar, with lysine, which is basic and polar, at codon 28 of the NSUN3 protein (p.Gln28Lys). This variant is not present in population databases (gnomAD no frequency). This variant has not been reported in the literature in individuals affected with NSUN3-related conditions. An algorithm developed to predict the effect of missense changes on protein structure and function (PolyPhen-2) suggests that this variant is likely to be tolerated. In summary, the available evidence is currently insufficient to determine the role of this variant in disease. Therefore, it has been classified as a Variant of Uncertain Significance.